The following is an entry in ClinVar:

ClinVar aggregate classification (germline): Uncertain significance. Review status: criteria provided, multiple submitters, no conflicts (2 of 4 stars). 3 submissions from 3 submitters: Uncertain significance (3). Last evaluated 2023-04-24.

Conditions:
Antley-Bixler syndrome with genital anomalies and disordered steroidogenesis (ABS1). Also called: POR Deficiency. Identifiers: Orphanet 63269, MedGen C3150099, MONDO:0008726, OMIM 201750.
Antley-Bixler syndrome without genital anomalies or disordered steroidogenesis (ABS2). Also called: MULTISYNOSTOTIC OSTEODYSGENESIS WITH LONG BONE FRACTURES; Trapezoidocephaly synostosis syndrome; Osteodysgenesis, multisynostotic with fractures; Antley-Bixler Syndrome, Autosomal Dominant. Identifiers: Orphanet 596008, Orphanet 83, MedGen C2936791, MONDO:0020667, OMIM 207410.
Congenital adrenal hyperplasia due to cytochrome P450 oxidoreductase deficiency. Also called: DISORDERED STEROIDOGENESIS DUE TO POR DEFICIENCY. Identifiers: Orphanet 95699, MedGen C1860042, MONDO:0013310, OMIM 613571.

Allele frequency attached by ClinVar (database versions not stated): gnomAD exomes 0.00004 and 0.00021; gnomAD 0.00006; ESP Exome Variant Server 0.00008; TOPMed 0.00010; ExAC 0.00026.
gnomAD v4.1: 68 of 1,595,140 alleles (0.0043%); highest among the groups gnomAD compares: Admixed American, 0.074%; 1 homozygote.

Submissions (3):

GeneDx
Classification: Uncertain significance. Last evaluated: 2023-04-24. Review status: criteria provided, single submitter. Criteria: GeneDx Variant Classification Process June 2021. Collection method: clinical testing. Allele origin: germline. Affected: yes.
Comment: In silico analysis supports that this missense variant has a deleterious effect on protein structure/function; Has not been previously published as pathogenic or benign to our knowledge

Labcorp Genetics (formerly Invitae), Labcorp
Classification: Uncertain significance for Congenital adrenal hyperplasia due to cytochrome P450 oxidoreductase deficiency. Last evaluated: 2022-09-27. Review status: criteria provided, single submitter. Criteria: Invitae Variant Classification Sherloc (09022015). Collection method: clinical testing. Allele origin: germline.
Comment: This sequence change replaces valine, which is neutral and non-polar, with methionine, which is neutral and non-polar, at codon 492 of the POR protein (p.Val492Met). This variant is present in population databases (rs377451454, gnomAD 0.1%), including at least one homozygous and/or hemizygous individual. This variant has not been reported in the literature in individuals affected with POR-related conditions. ClinVar contains an entry for this variant (Variation ID: 1472554). Advanced modeling of protein sequence and biophysical properties (such as structural, functional, and spatial information, amino acid conservation, physicochemical variation, residue mobility, and thermodynamic stability) has been performed at Invitae for this missense variant, however the output from this modeling did not meet the statistical confidence thresholds required to predict the impact of this variant on POR protein function. In summary, the available evidence is currently insufficient to determine the role of this variant in disease. Therefore, it has been classified as a Variant of Uncertain Significance.

Fulgent Genetics
Classification: Uncertain significance for Antley-Bixler syndrome with genital anomalies and disordered steroidogenesis; Antley-Bixler syndrome without genital anomalies or disordered steroidogenesis; Congenital adrenal hyperplasia due to cytochrome P450 oxidoreductase deficiency. Last evaluated: 2021-09-07. Review status: criteria provided, single submitter. Criteria: ACMG Guidelines, 2015. Collection method: clinical testing. Allele origin: unknown.

NM_001395413.1(POR):c.1465G>A (p.Val489Met)

Gene: POR (cytochrome p450 oxidoreductase; plus strand). Cytogenetic location: 7q11.23.
Variant type: single nucleotide variant.
Coding change: c.1465G>A on transcript NM_001395413.1 (MANE Select); coding-DNA position 1465, G replaced by A.
Protein change: p.Val489Met; replaces valine 489 with methionine.
Molecular consequence: missense variant.
Genome position (GRCh38, 1-based): chr7:75,985,654, G>A. VCF-style: chr7-75985654-G-A. GRCh37 (hg19) VCF-style: chr7-75614972-G-A.
Other names: c.1474G>A (NM_000941.2); c.1465G>A, p.Val489Met (NM_001367562.3, NM_001382657.2, NM_001382658.3 and 1 more transcripts); c.1519G>A, p.Val507Met (NM_001382655.3); c.1315G>A, p.Val439Met (NM_001382662.3); short protein forms V439M, V489M, V507M.
Identifiers: ClinVar variation 1472554 (VCV001472554.7), dbSNP rs377451454, ClinGen allele CA4304152.
Genomic context (GRCh38, chr7:75,985,654, plus strand): 5'-GTGCACATCTGTGCGGTGGTTGTGGAGTACGAGACCAAGGCTGGCCGCATCAACAAGGGC[G>A]TGGCCACCAACTGGCTGCGGGCCAAGGAGCCTGCCGGGGAGAACGGCGGCCGTGCGCTGG-3'
Protein context (NP_001382342.1, residues 479-499): ETKAGRINKG[Val489Met]ATNWLRAKEP